The following is an entry in ClinVar:

NM_001374259.2(IL12RB2):c.2232G>T (p.Met744Ile)

Gene: IL12RB2 (interleukin 12 receptor subunit beta 2; plus strand). Cytogenetic location: 1p31.3.
Variant type: single nucleotide variant.
Coding change: c.2232G>T on transcript NM_001374259.2 (MANE Select); coding-DNA position 2232, G replaced by T.
Protein change: p.Met744Ile; replaces methionine 744 with isoleucine.
Molecular consequence: missense variant. On other transcripts: 3 prime UTR variant (3), non-coding transcript variant (2).
Genome position (GRCh38, 1-based): chr1:67,395,732, G>T. VCF-style: chr1-67395732-G-T. GRCh37 (hg19) VCF-style: chr1-67861415-G-T.
Other names: c.*152G>T (NM_001258214.1, NM_001319233.1); c.1974G>T, p.Met658Ile (NM_001258215.1); c.*133G>T (NM_001258216.1); c.2232G>T, p.Met744Ile (NM_001559.3); short protein forms M658I, M744I.
Identifiers: ClinVar variation 2864482 (VCV002864482.3), dbSNP rs1222688630, ClinGen allele CA340735161.

ClinVar aggregate classification (germline): Uncertain significance (1 of 4 stars; one submission).

gnomAD v4.1: 2 of 1,614,100 alleles (0.00012%); highest among the groups gnomAD compares: Non-Finnish European, 0.00017%; no homozygotes.

Submission:

Labcorp Genetics (formerly Invitae), Labcorp
Classification: Uncertain significance. Last evaluated: 2023-05-15. Review status: criteria provided, single submitter. Criteria: Invitae Variant Classification Sherloc (09022015). Collection method: clinical testing. Allele origin: germline.
Comment: This sequence change replaces methionine, which is neutral and non-polar, with isoleucine, which is neutral and non-polar, at codon 744 of the IL12RB2 protein (p.Met744Ile). In summary, the available evidence is currently insufficient to determine the role of this variant in disease. Therefore, it has been classified as a Variant of Uncertain Significance. Algorithms developed to predict the effect of missense changes on protein structure and function output the following: SIFT: "Not Available"; PolyPhen-2: "Benign"; Align-GVGD: "Not Available". The isoleucine amino acid residue is found in multiple mammalian species, which suggests that this missense change does not adversely affect protein function. This variant has not been reported in the literature in individuals affected with IL12RB2-related conditions. This variant is not present in population databases (gnomAD no frequency).